The following is an entry in ClinVar:

ClinVar aggregate classification (germline): Uncertain significance. Review status: criteria provided, multiple submitters, no conflicts (2 of 4 stars). 2 submissions from 2 submitters: Uncertain significance (2). Last evaluated 2024-07-17.

Allele frequency attached by ClinVar (database versions not stated): gnomAD 0.00001; TOPMed 0.00002; ExAC 0.00003; ESP Exome Variant Server 0.00008.
gnomAD v4.1: 13 of 1,611,996 alleles (0.00081%); highest among the groups gnomAD compares: Middle Eastern, 0.016%; no homozygotes.

Submissions (2):

Ambry Genetics
Classification: Uncertain significance. Last evaluated: 2024-07-17. Review status: criteria provided, single submitter. Criteria: Ambry Variant Classification Scheme 2023. Collection method: clinical testing. Allele origin: germline.

Labcorp Genetics (formerly Invitae), Labcorp
Classification: Uncertain significance. Last evaluated: 2022-09-13. Review status: criteria provided, single submitter. Criteria: Invitae Variant Classification Sherloc (09022015). Collection method: clinical testing. Allele origin: germline.
Comment: This sequence change replaces arginine, which is basic and polar, with glutamine, which is neutral and polar, at codon 304 of the FUK protein (p.Arg304Gln). In summary, the available evidence is currently insufficient to determine the role of this variant in disease. Therefore, it has been classified as a Variant of Uncertain Significance. Algorithms developed to predict the effect of missense changes on protein structure and function are either unavailable or do not agree on the potential impact of this missense change (SIFT: "Deleterious"; PolyPhen-2: "Probably Damaging"; Align-GVGD: "Class C0"). This variant has not been reported in the literature in individuals affected with FUK-related conditions. This variant is present in population databases (rs375086164, gnomAD 0.002%).

NM_145059.3(FCSK):c.911G>A (p.Arg304Gln)

Gene: FCSK (fucose kinase; plus strand). Cytogenetic location: 16q22.1.
Variant type: single nucleotide variant.
Coding change: c.911G>A on transcript NM_145059.3 (MANE Select); coding-DNA position 911, G replaced by A.
Protein change: p.Arg304Gln; replaces arginine 304 with glutamine.
Molecular consequence: missense variant.
Genome position (GRCh38, 1-based): chr16:70,469,279, G>A. VCF-style: chr16-70469279-G-A. GRCh37 (hg19) VCF-style: chr16-70503182-G-A.
Other names: c.911G>A (NM_145059.2); short protein forms R304Q.
Identifiers: ClinVar variation 2183064 (VCV002183064.5), dbSNP rs375086164, ClinGen allele CA8143121.